The following is an entry in ClinVar:

ClinVar aggregate classification (germline): Uncertain significance (1 of 4 stars; one submission).

Submission:

Women's Health and Genetics/Laboratory Corporation of America, LabCorp
Classification: Uncertain significance. Last evaluated: 2026-02-11. Review status: criteria provided, single submitter. Criteria: LabCorp Variant Classification Summary - May 2015. Collection method: clinical testing. Allele origin: germline.
Comment: Variant summary: CLCN1 c.1826T>C (p.Met609Thr) results in a non-conservative amino acid change in the encoded protein sequence. Algorithms developed to predict the effect of missense changes on protein structure and function all suggest that this variant is likely to be disruptive. The variant was absent in 251458 control chromosomes. The available data on variant occurrences in the general population are insufficient to allow any conclusion about variant significance. To our knowledge, no occurrence of c.1826T>C in individuals affected with CLCN1-related conditions and no experimental evidence demonstrating its impact on protein function have been reported. No submitters have cited clinical-significance assessments for this variant to ClinVar. Based on the evidence outlined above, the variant was classified as uncertain significance.

NM_000083.3(CLCN1):c.1826T>C (p.Met609Thr)

Gene: CLCN1 (chloride voltage-gated channel 1; plus strand). Cytogenetic location: 7q34.
Variant type: single nucleotide variant.
Coding change: c.1826T>C on transcript NM_000083.3 (MANE Select); coding-DNA position 1826, T replaced by C.
Protein change: p.Met609Thr; replaces methionine 609 with threonine.
Molecular consequence: missense variant. On other transcripts: non-coding transcript variant (1).
Genome position (GRCh38, 1-based): chr7:143,342,401, T>C. VCF-style: chr7-143342401-T-C. GRCh37 (hg19) VCF-style: chr7-143039494-T-C.
Other names: short protein forms M609T.
Identifiers: ClinVar variation 4847892 (VCV004847892.1).